The following is an entry in ClinVar:

NM_000170.3(GLDC):c.77C>A (p.Ser26Ter)

Gene: GLDC (glycine decarboxylase; minus strand). Cytogenetic location: 9p24.1.
Variant type: single nucleotide variant.
Coding change: c.77C>A on transcript NM_000170.3 (MANE Select); coding-DNA position 77, C replaced by A.
Protein change: p.Ser26Ter; replaces serine 26 with a stop codon.
Molecular consequence: nonsense.
Genome position (GRCh38, 1-based): chr9:6,645,423, G>T on the plus strand (C>A on the coding strand, the complement: GLDC is on the minus strand). VCF-style: chr9-6645423-G-T. GRCh37 (hg19) VCF-style: chr9-6645423-G-T.
Other names: short protein forms S26*.
Identifiers: ClinVar variation 1412687 (VCV001412687.6), dbSNP rs2130032664, ClinGen allele CA372887289.

ClinVar aggregate classification (germline): Pathogenic (1 of 4 stars; one submission).

Conditions:
Glycine encephalopathy. Also called: Nonketotic hyperglycinemia; Non-ketotic hyperglycinemia. Identifiers: Orphanet 407, MedGen C0751748, MONDO:0011612, HP:0008288.

Submission:

Labcorp Genetics (formerly Invitae), Labcorp
Classification: Pathogenic for Glycine encephalopathy. Last evaluated: 2025-05-13. Review status: criteria provided, single submitter. Criteria: Invitae Variant Classification Sherloc (09022015). Collection method: clinical testing. Allele origin: germline.
Comment: This sequence change creates a premature translational stop signal (p.Ser26*) in the GLDC gene. It is expected to result in an absent or disrupted protein product. Loss-of-function variants in GLDC are known to be pathogenic (PMID: 16601880). This variant is not present in population databases (gnomAD no frequency). This variant has not been reported in the literature in individuals affected with GLDC-related conditions. ClinVar contains an entry for this variant (Variation ID: 1412687). For these reasons, this variant has been classified as Pathogenic.

Literature cited by the submitters: PubMed 16601880.